The following is an entry in ClinVar:

ClinVar aggregate classification (germline): Uncertain significance (1 of 4 stars; one submission).

Conditions:
Glycogen storage disease, type IV (GSD4). Also called: AMYLOPECTINOSIS; ANDERSEN DISEASE; BRANCHER DEFICIENCY; CIRRHOSIS, FAMILIAL, WITH DEPOSITION OF ABNORMAL GLYCOGEN; GBE1 DEFICIENCY; GLYCOGEN BRANCHING ENZYME DEFICIENCY. Identifiers: Orphanet 367, MedGen C0017923, MONDO:0009292, OMIM 232500.

Submission:

Neuberg Centre For Genomic Medicine, NCGM
Classification: Uncertain significance for Glycogen storage disease, type IV. Review status: criteria provided, single submitter. Criteria: ACMG Guidelines, 2015. Collection method: clinical testing. Allele origin: germline. Inheritance: Autosomal recessive inheritance. Affected: yes.
Comment: The missense c.1805C>T p.Ala602Val variant in the GBE1 gene has not been reported previously as a pathogenic variant nor as a benign variant, to our knowledge. The variant is novel not in any individuals in gnomAD Exomes and 1000 Genomes. The amino acid Alanine at position 602 is changed to a Valine changing protein sequence and it might alter its composition and physico-chemical propertiesThe variant is predicted as damaging by SIFT. The amino acid change p.Ala602Val in GBE1 is predicted as conserved by GERP++ and PhyloP across 100 vertebrates. For these reasons, this variant has been classified as Uncertain Significance.

NM_000158.4(GBE1):c.1805C>T (p.Ala602Val)

Gene: GBE1 (1,4-alpha-glucan branching enzyme 1; minus strand). Cytogenetic location: 3p12.2.
Variant type: single nucleotide variant.
Coding change: c.1805C>T on transcript NM_000158.4 (MANE Select); coding-DNA position 1805, C replaced by T.
Protein change: p.Ala602Val; replaces alanine 602 with valine.
Molecular consequence: missense variant.
Genome position (GRCh38, 1-based): chr3:81,535,324, G>A on the plus strand (C>T on the coding strand, the complement: GBE1 is on the minus strand). VCF-style: chr3-81535324-G-A. GRCh37 (hg19) VCF-style: chr3-81584475-G-A.
Other names: short protein forms A602V.
Identifiers: ClinVar variation 3234979 (VCV003234979.1), dbSNP rs2471673439, ClinGen allele CA353686266.